The following is an entry in ClinVar:

ClinVar aggregate classification (germline): Benign (1 of 4 stars; one submission).

Conditions:
Hereditary pheochromocytoma and paraganglioma. Also called: Hereditary Paraganglioma-Pheochromocytoma Syndromes; Hereditary paragangliomas and pheochromocytomas; Hereditary pheochromocytoma-paraganglioma. Identifiers: Orphanet 29072, MedGen C4274332, MONDO:0017366.

Allele frequency attached by ClinVar (database versions not stated): gnomAD exomes 0.00011; 1000 Genomes Project 30x 0.00078; 1000 Genomes Project 0.00080; gnomAD 0.00013 and 0.00014; TOPMed 0.00011.

Submission:

Illumina Laboratory Services, Illumina
Classification: Benign for Hereditary Paraganglioma-Pheochromocytoma Syndromes. Last evaluated: 2018-01-12. Review status: criteria provided, single submitter. Criteria: ICSL Variant Classification Criteria 13 December 2019. Collection method: clinical testing. Allele origin: germline.
Comment: This variant was observed in the ICSL laboratory as part of a predisposition screen in an ostensibly healthy population. It had not been previously curated by ICSL or reported in the Human Gene Mutation Database (HGMD: prior to June 1st, 2018), and was therefore a candidate for classification through an automated scoring system. Utilizing variant allele frequency, disease prevalence and penetrance estimates, and inheritance mode, an automated score was calculated to assess if this variant is too frequent to cause the disease. Based on the score and internal cut-off values, a variant classified as benign is not then subjected to further curation. The score for this variant resulted in a classification of benign for this disease.

NM_003001.3(SDHC):c.*1191A>T

Gene: SDHC (succinate dehydrogenase complex subunit C; plus strand). Cytogenetic location: 1q23.3.
Variant type: single nucleotide variant.
Coding change: c.*1191A>T on transcript NM_003001.3; 1191 bases downstream of the stop codon, A replaced by T.
Genome position (GRCh38, 1-based): chr1:161,363,624, A>T. VCF-style: chr1-161363624-A-T. GRCh37 (hg19) VCF-style: chr1-161333414-A-T.
Identifiers: ClinVar variation 293343 (VCV000293343.7), dbSNP rs566186299, ClinGen allele CA10608597.